The following is an entry in ClinVar:

ClinVar aggregate classification (germline): Likely pathogenic (0 of 4 stars; one submission).

Conditions:
Short stature. Identifiers: MedGen C0349588, HP:0004322.

Submission:

Center for Human Genetics and Genomic Medicine, Uniklinik Rwth Aachen
Classification: Likely pathogenic for Short stature. Review status: no assertion criteria provided. Collection method: clinical testing. Allele origin: maternal. Inheritance: Autosomal dominant inheritance. Affected: yes. Observed: 2 variant alleles, 2 heterozygotes. Clinical features observed: Short stature (HP:0004322).

NM_001844.5(COL2A1):c.3971T>G (p.Val1324Gly)

Gene: COL2A1 (collagen type II alpha 1 chain; minus strand). Cytogenetic location: 12q13.11.
Variant type: single nucleotide variant.
Coding change: c.3971T>G on transcript NM_001844.5 (MANE Select); coding-DNA position 3971, T replaced by G.
Protein change: p.Val1324Gly; replaces valine 1324 with glycine.
Molecular consequence: missense variant.
Genome position (GRCh38, 1-based): chr12:47,974,778, A>C on the plus strand (T>G on the coding strand, the complement: COL2A1 is on the minus strand). VCF-style: chr12-47974778-A-C. GRCh37 (hg19) VCF-style: chr12-48368561-A-C.
Other names: c.3764T>G, p.Val1255Gly (NM_033150.3); short protein forms V1324G, V1255G.
Identifiers: ClinVar variation 918050 (VCV000918050.3), dbSNP rs1938610955, ClinGen allele CA384535820.